The following is an entry in ClinVar:

NM_022051.3(EGLN1):c.37C>G (p.Pro13Ala)

Gene: EGLN1 (egl-9 family hypoxia inducible factor 1; minus strand). Cytogenetic location: 1q42.2.
Variant type: single nucleotide variant.
Coding change: c.37C>G on transcript NM_022051.3 (MANE Select); coding-DNA position 37, C replaced by G.
Protein change: p.Pro13Ala; replaces proline 13 with alanine.
Molecular consequence: missense variant.
Genome position (GRCh38, 1-based): chr1:231,421,852, G>C on the plus strand (C>G on the coding strand, the complement: EGLN1 is on the minus strand). VCF-style: chr1-231421852-G-C. GRCh37 (hg19) VCF-style: chr1-231557598-G-C.
Other names: c.37C>G, p.Pro13Ala (NM_001377260.1, NM_001377261.1); short protein forms P13A.
Identifiers: ClinVar variation 2457228 (VCV002457228.6), dbSNP rs1656636206, ClinGen allele CA345239384.

ClinVar aggregate classification (germline): Uncertain significance. Review status: criteria provided, multiple submitters, no conflicts (2 of 4 stars). 2 submissions from 2 submitters: Uncertain significance (2). Last evaluated 2025-10-27.

Conditions:
Erythrocytosis, familial, 3 (ECYT3). Identifiers: Orphanet 247511, MedGen C1853286, MONDO:0012353, OMIM 609820.

Allele frequency attached by ClinVar (database versions not stated): gnomAD exomes below 0.00001.
gnomAD v4.1: 2 of 1,492,936 alleles (0.00013%); highest among the groups gnomAD compares: South Asian, 0.0025%; no homozygotes.

Submissions (2):

Ambry Genetics
Classification: Uncertain significance. Last evaluated: 2025-10-27. Review status: criteria provided, single submitter. Criteria: Ambry Variant Classification Scheme 2023. Collection method: clinical testing. Allele origin: germline.
Comment: The p.P13A variant (also known as c.37C>G), located in coding exon 1 of the EGLN1 gene, results from a C to G substitution at nucleotide position 37. The proline at codon 13 is replaced by alanine, an amino acid with highly similar properties. This amino acid position is conserved. In addition, this alteration is predicted to be tolerated by in silico analysis. Since supporting evidence is limited at this time, the clinical significance of this alteration remains unclear.

Labcorp Genetics (formerly Invitae), Labcorp
Classification: Uncertain significance for Erythrocytosis, familial, 3. Last evaluated: 2023-04-25. Review status: criteria provided, single submitter. Criteria: Invitae Variant Classification Sherloc (09022015). Collection method: clinical testing. Allele origin: germline.
Comment: This sequence change replaces proline, which is neutral and non-polar, with alanine, which is neutral and non-polar, at codon 13 of the EGLN1 protein (p.Pro13Ala). This variant is not present in population databases (gnomAD no frequency). In summary, the available evidence is currently insufficient to determine the role of this variant in disease. Therefore, it has been classified as a Variant of Uncertain Significance. Algorithms developed to predict the effect of missense changes on protein structure and function output the following: SIFT: "Not Available"; PolyPhen-2: "Possibly Damaging"; Align-GVGD: "Not Available". The alanine amino acid residue is found in multiple mammalian species, which suggests that this missense change does not adversely affect protein function. This variant has not been reported in the literature in individuals affected with EGLN1-related conditions.